The following is an entry in ClinVar:

NM_004183.4(BEST1):c.436G>T (p.Ala146Ser)

Gene: BEST1 (bestrophin 1; plus strand). Cytogenetic location: 11q12.3.
Variant type: single nucleotide variant.
Coding change: c.436G>T on transcript NM_004183.4 (MANE Select); coding-DNA position 436, G replaced by T.
Protein change: p.Ala146Ser; replaces alanine 146 with serine.
Molecular consequence: missense variant. On other transcripts: non-coding transcript variant (1).
Genome position (GRCh38, 1-based): chr11:61,955,906, G>T. VCF-style: chr11-61955906-G-T. GRCh37 (hg19) VCF-style: chr11-61723378-G-T.
Other names: c.256G>T, p.Ala86Ser (NM_001139443.3, NM_001300786.2, NM_001300787.2); c.118G>T, p.Ala40Ser (NM_001363591.3); c.436G>T, p.Ala146Ser (NM_001363592.2); c.-740G>T (NM_001363593.3); short protein forms A146S, A40S, A86S.
Identifiers: ClinVar variation 1506801 (VCV001506801.6), dbSNP rs1237501081, ClinGen allele CA380835325.
Genomic context (GRCh38, chr11:61,955,906, plus strand): 5'-CGCACGCTCATCCGCTACGCCAACCTGGGCAACGTGCTCATCCTGCGCAGCGTCAGCACC[G>T]CAGTCTACAAGCGCTTCCCCAGCGCCCAGCACCTGGTGCAAGCAGGTGGGCGGACCGGGA-3'
Protein context (NP_004174.1, residues 136-156): NVLILRSVST[Ala146Ser]VYKRFPSAQH

ClinVar aggregate classification (germline): Uncertain significance (1 of 4 stars; one submission).

gnomAD v4.1: 6 of 1,550,334 alleles (0.00039%); highest among the groups gnomAD compares: East Asian, 0.0024%; no homozygotes.

Submission:

Labcorp Genetics (formerly Invitae), Labcorp
Classification: Uncertain significance. Last evaluated: 2023-11-19. Review status: criteria provided, single submitter. Criteria: Invitae Variant Classification Sherloc (09022015). Collection method: clinical testing. Allele origin: germline.
Comment: This sequence change replaces alanine, which is neutral and non-polar, with serine, which is neutral and polar, at codon 146 of the BEST1 protein (p.Ala146Ser). The frequency data for this variant in the population databases is considered unreliable, as metrics indicate poor data quality at this position in the gnomAD database. This missense change has been observed in individual(s) with BEST1-related conditions (PMID: 26310487). ClinVar contains an entry for this variant (Variation ID: 1506801). Advanced modeling of protein sequence and biophysical properties (such as structural, functional, and spatial information, amino acid conservation, physicochemical variation, residue mobility, and thermodynamic stability) performed at Invitae indicates that this missense variant is expected to disrupt BEST1 protein function with a positive predictive value of 95%. This variant disrupts the p.Ala146 amino acid residue in BEST1. Other variant(s) that disrupt this residue have been determined to be pathogenic (PMID: 10453731, 10737974, 11713080, 23139242). This suggests that this residue is clinically significant, and that variants that disrupt this residue are likely to be disease-causing. In summary, the available evidence is currently insufficient to determine the role of this variant in disease. Therefore, it has been classified as a Variant of Uncertain Significance.

Literature cited by the submitters: PubMed 26310487; PubMed 10453731; PubMed 10737974; PubMed 11713080; PubMed 23139242.